The following is an entry in ClinVar:

NM_000254.3(MTR):c.712G>A (p.Gly238Arg)

Gene: MTR (5-methyltetrahydrofolate-homocysteine methyltransferase; plus strand). Cytogenetic location: 1q43.
Variant type: single nucleotide variant.
Coding change: c.712G>A on transcript NM_000254.3 (MANE Select); coding-DNA position 712, G replaced by A.
Protein change: p.Gly238Arg; replaces glycine 238 with arginine.
Molecular consequence: missense variant. On other transcripts: 5 prime UTR variant (1).
Genome position (GRCh38, 1-based): chr1:236,816,491, G>A. VCF-style: chr1-236816491-G-A. GRCh37 (hg19) VCF-style: chr1-236979791-G-A.
Other names: c.712G>A, p.Gly238Arg (NM_001291939.1); c.-397G>A (NM_001291940.2); short protein forms G238R.
Identifiers: ClinVar variation 1495263 (VCV001495263.6), dbSNP rs934470002, ClinGen allele CA39739719.
Genomic context (GRCh38, chr1:236,816,491, plus strand): 5'-TTTACTTTGTCAATTCAGATTTCAGGGACGATCGTTGATAAAAGTGGGCGGACTCTTTCC[G>A]GACAGACAGGAGAGGGATTTGTCATCAGCGTGTCTCATGGAGAACCACTCTGGTGAGTGA-3'
Protein context (NP_000245.2, residues 228-248): IVDKSGRTLS[Gly238Arg]QTGEGFVISV

ClinVar aggregate classification (germline): Uncertain significance (1 of 4 stars; one submission).

Conditions:
Methylcobalamin deficiency type cblG (HMAG). Also called: HOMOCYSTINURIA-MEGALOBLASTIC ANEMIA, cblG COMPLEMENTATION TYPE; HOMOCYSTINURIA-MEGALOBLASTIC ANEMIA, cblG TYPE; HOMOCYSTINURIA-MEGALOBLASTIC ANEMIA DUE TO DEFECT IN COBALAMIN METABOLISM, cblG COMPLEMENTATION TYPE; Functional methionine synthase deficiency type cblG. Identifiers: Orphanet 2170, Orphanet 622, MedGen C1855128, MONDO:0009609, OMIM 250940.

Allele frequency attached by ClinVar (database versions not stated): gnomAD exomes below 0.00001; gnomAD 0.00001; TOPMed 0.00001.
gnomAD v4.1: 3 of 1,613,980 alleles (0.00019%); highest among the groups gnomAD compares: African/African-American, 0.0013%; no homozygotes.

Submission:

Labcorp Genetics (formerly Invitae), Labcorp
Classification: Uncertain significance for Methylcobalamin deficiency type cblG. Last evaluated: 2021-10-02. Review status: criteria provided, single submitter. Criteria: Invitae Variant Classification Sherloc (09022015). Collection method: clinical testing. Allele origin: germline.
Comment: Algorithms developed to predict the effect of sequence changes on RNA splicing suggest that this variant may create or strengthen a splice site. In summary, the available evidence is currently insufficient to determine the role of this variant in disease. Therefore, it has been classified as a Variant of Uncertain Significance. Algorithms developed to predict the effect of missense changes on protein structure and function are either unavailable or do not agree on the potential impact of this missense change (SIFT: "Deleterious"; PolyPhen-2: "Probably Damaging"; Align-GVGD: "Class C15"). This sequence change replaces glycine with arginine at codon 238 of the MTR protein (p.Gly238Arg). The glycine residue is highly conserved and there is a moderate physicochemical difference between glycine and arginine. This variant is not present in population databases (ExAC no frequency). This variant has not been reported in the literature in individuals affected with MTR-related conditions.